The following is an entry in ClinVar:

NM_001372106.1(DNAH10):c.5511C>T (p.Ile1837=)

Gene: DNAH10 (dynein axonemal heavy chain 10; plus strand). Cytogenetic location: 12q24.31.
Variant type: single nucleotide variant.
Coding change: c.5511C>T on transcript NM_001372106.1 (MANE Select); coding-DNA position 5511, C replaced by T.
Protein change: p.Ile1837=; no amino-acid change (isoleucine 1837 retained).
Molecular consequence: synonymous variant.
Genome position (GRCh38, 1-based): chr12:123,845,750, C>T. VCF-style: chr12-123845750-C-T. GRCh37 (hg19) VCF-style: chr12-124330297-C-T.
Other names: c.5157C>T, p.Ile1719= (NM_001083900.1, NM_207437.3).
Identifiers: ClinVar variation 3033360 (VCV003033360.2), dbSNP rs184981123, ClinGen allele CA6863884.
Genomic context (GRCh38, chr12:123,845,750, plus strand): 5'-AGCGCAAAAAGGGGAGAAGCAGGCCATGAAGAACTATGGCAGGAAAATGCACCGGCAGAT[C>T]GATGAGTTGGTAACGCGCATCACCATGCCGCTAAGCAAAAACGACAGGAAAAAATACAAC-3'
Protein context (NP_001359035.1, residues 1827-1847): KNYGRKMHRQ[Ile1837=]DELVTRITMP

ClinVar aggregate classification (germline): Likely benign (0 of 4 stars; one submission).

Conditions:
DNAH10-related disorder. Also called: DNAH10-related condition.

Allele frequency attached by ClinVar (database versions not stated): 1000 Genomes Project 30x 0.00031; 1000 Genomes Project 0.00040; ESP Exome Variant Server 0.00104.
gnomAD v4.1: 329 of 1,613,906 alleles (0.02%); highest among the groups gnomAD compares: African/African-American, 0.35%; 1 homozygote.

Submission:

PreventionGenetics, part of Exact Sciences
Classification: Likely benign for DNAH10-related condition. Last evaluated: 2019-06-17. Review status: no assertion criteria provided. Collection method: clinical testing. Allele origin: germline.
Comment: This variant is classified as likely benign based on ACMG/AMP sequence variant interpretation guidelines (Richards et al. 2015 PMID: 25741868, with internal and published modifications).